The following is an entry in ClinVar:

ClinVar aggregate classification (germline): Uncertain significance (1 of 4 stars; one submission).

Conditions:
Dyskeratosis congenita, autosomal dominant 1 (DKCA1). Also called: Dyskeratosis congenita Scoggins type. Identifiers: Orphanet 1775, MedGen C4551974, MONDO:0007485, OMIM 127550. Inheritance: Variable.

Submission:

Labcorp Genetics (formerly Invitae), Labcorp
Classification: Uncertain significance for Dyskeratosis congenita, autosomal dominant 1. Last evaluated: 2024-12-16. Review status: criteria provided, single submitter. Criteria: Invitae Variant Classification Sherloc (09022015). Collection method: clinical testing. Allele origin: germline.
Comment: This variant occurs in the TERC gene, which encodes an RNA molecule that does not result in a protein product. This variant is not present in population databases (gnomAD no frequency). This variant has not been reported in the literature in individuals affected with TERC-related conditions. ClinVar contains an entry for this variant (Variation ID: 2154846). This variant is located within the template/pseudoknot domain of the TERC RNA component, which is required for RNA or RNP stability (PMID: 15082312, 21844345). This variant is located in a region of TERC in which a significant number of disease causing variants have been reported (PMID: 15082312, 21844345, 21931702). These observations suggest that this may be a clinically significant region. In summary, the available evidence is currently insufficient to determine the role of this variant in disease. Therefore, it has been classified as a Variant of Uncertain Significance.

Literature cited by the submitters: PubMed 15082312; PubMed 21844345; PubMed 21931702.

NC_000003.12:g.169764955G>A

Genes: TERC (telomerase RNA component; minus strand), LOC110806306 (telomerase RNA component (TERC) promoter; plus strand). Cytogenetic location: 3q26.2.
Variant type: single nucleotide variant.
Genome position: GRCh38 VCF-style: chr3-169764955-G-A. GRCh37 (hg19) VCF-style: chr3-169482743-G-A.
Identifiers: ClinVar variation 2154846 (VCV002154846.4), dbSNP rs2474262471, ClinGen allele CA436715786.